The following is an entry in ClinVar:

ClinVar aggregate classification (germline): Likely benign. Review status: criteria provided, multiple submitters, no conflicts (2 of 4 stars). 2 submissions from 2 submitters: Likely benign (2). Last evaluated 2025-10-01.

gnomAD v4.1: 30 of 1,614,066 alleles (0.0019%); highest among the groups gnomAD compares: East Asian, 0.013%; no homozygotes.

Submissions (2):

CeGaT Center for Human Genetics Tuebingen
Classification: Likely benign. Last evaluated: 2025-10-01. Review status: criteria provided, single submitter. Criteria: CeGaT Center For Human Genetics Tuebingen Variant Classification Criteria Version 2. Collection method: clinical testing. Allele origin: germline. Affected: yes. Observed: 1 variant allele.
Comment: ESPN: BP4, BP7

Blueprint Genetics
Classification: Likely benign. Last evaluated: 2022-11-15. Review status: criteria provided, single submitter. Criteria: ACMG Guidelines, 2015. Collection method: clinical testing. Allele origin: germline.

NM_031475.3(ESPN):c.1140C>T (p.Tyr380=)

Gene: ESPN (espin; plus strand). Cytogenetic location: 1p36.31.
Variant type: single nucleotide variant.
Coding change: c.1140C>T on transcript NM_031475.3 (MANE Select); coding-DNA position 1140, C replaced by T.
Protein change: p.Tyr380=; no amino-acid change (tyrosine 380 retained).
Molecular consequence: synonymous variant.
Genome position (GRCh38, 1-based): chr1:6,444,630, C>T. VCF-style: chr1-6444630-C-T. GRCh37 (hg19) VCF-style: chr1-6504690-C-T.
Other names: c.1140C>T, p.Tyr380= (NM_001367473.1, NM_001367474.1).
Identifiers: ClinVar variation 4534396 (VCV004534396.7).